The following is an entry in ClinVar:

NM_000836.4(GRIN2D):c.3119_3120delinsAT (p.Ala1040Asp)

Gene: GRIN2D (glutamate ionotropic receptor NMDA type subunit 2D; plus strand). Cytogenetic location: 19q13.33.
Variant type: Indel.
Coding change: c.3119_3120delinsAT on transcript NM_000836.4 (MANE Select); coding-DNA positions 3119 to 3120, CC replaced by AT.
Protein change: p.Ala1040Asp; replaces alanine 1040 with aspartic acid.
Molecular consequence: missense variant.
Genome position (GRCh38, 1-based): chr19:48,443,045-48,443,046, CC replaced by AT. VCF-style: chr19-48443045-CC-AT. GRCh37 (hg19) VCF-style: chr19-48946302-CC-AT.
Other names: short protein forms A1040D.
Identifiers: ClinVar variation 1961506 (VCV001961506.5), dbSNP rs2513692550, ClinGen allele CA2580097484.

ClinVar aggregate classification (germline): Uncertain significance (1 of 4 stars; one submission).

Submission:

Labcorp Genetics (formerly Invitae), Labcorp
Classification: Uncertain significance. Last evaluated: 2022-10-17. Review status: criteria provided, single submitter. Criteria: Invitae Variant Classification Sherloc (09022015). Collection method: clinical testing. Allele origin: germline.
Comment: In summary, the available evidence is currently insufficient to determine the role of this variant in disease. Therefore, it has been classified as a Variant of Uncertain Significance. Experimental studies and prediction algorithms are not available or were not evaluated, and the functional significance of this variant is currently unknown. This variant has not been reported in the literature in individuals affected with GRIN2D-related conditions. The frequency data for this variant in the population databases is considered unreliable, as metrics indicate insufficient coverage at this position in the gnomAD database. This sequence change replaces alanine, which is neutral and non-polar, with aspartic acid, which is acidic and polar, at codon 1040 of the GRIN2D protein (p.Ala1040Asp).